The following is an entry in ClinVar:

NM_025179.4(PLXNA2):c.889C>T (p.Pro297Ser)

Gene: PLXNA2 (plexin A2; minus strand). Cytogenetic location: 1q32.2.
Variant type: single nucleotide variant.
Coding change: c.889C>T on transcript NM_025179.4 (MANE Select); coding-DNA position 889, C replaced by T.
Protein change: p.Pro297Ser; replaces proline 297 with serine.
Molecular consequence: missense variant.
Genome position (GRCh38, 1-based): chr1:208,217,034, G>A on the plus strand (C>T on the coding strand, the complement: PLXNA2 is on the minus strand). VCF-style: chr1-208217034-G-A. GRCh37 (hg19) VCF-style: chr1-208390379-G-A.
Other names: short protein forms P297S.
Identifiers: ClinVar variation 4995804 (VCV004995804.1).

ClinVar aggregate classification (germline): Uncertain significance (1 of 4 stars; one submission).

Conditions:
PLXNA2-related disorder. Also called: PLXNA2-related condition.

Submission:

PreventionGenetics, part of Exact Sciences
Classification: Uncertain significance for PLXNA2-related condition. Last evaluated: 2026-05-16. Review status: criteria provided, single submitter. Criteria: ACMG Guidelines, 2015. Collection method: clinical testing. Allele origin: germline.
Comment: The PLXNA2 c.889C>T variant is predicted to result in the amino acid substitution p.Pro297Ser. To our knowledge, this variant has not been reported in the literature or in a large population database (gnomAD), indicating this variant is rare. At this time, the clinical significance of this variant is uncertain due to the absence of conclusive functional and genetic evidence.